The following is an entry in ClinVar:

ClinVar aggregate classification (germline): Likely benign. Review status: criteria provided, multiple submitters, no conflicts (2 of 4 stars). 2 submissions from 2 submitters: Likely benign (2). Last evaluated 2025-01-09.

Conditions:
Hereditary nonpolyposis colorectal neoplasms. Identifiers: MedGen C0009405, MeSH D003123.

Submissions (2):

Women's Health and Genetics/Laboratory Corporation of America, LabCorp
Classification: Likely benign. Last evaluated: 2025-01-09. Review status: criteria provided, single submitter. Criteria: LabCorp Variant Classification Summary - May 2015. Collection method: clinical testing. Allele origin: germline.
Comment: Variant summary: PMS2 c.2445+9A>G alters a nucleotide located at a position not widely known to affect splicing. Consensus agreement among computation tools predict no significant impact on normal splicing (TrAP). However, these predictions have yet to be confirmed by functional studies. The frequency data for this variant in gnomAD is considered unreliable, as metrics indicate poor data quality at this position. To our knowledge, no occurrence of c.2445+9A>G in individuals affected with Hereditary Nonpolyposis Colorectal Cancer and no experimental evidence demonstrating its impact on protein function have been reported. ClinVar contains an entry for this variant (Variation ID: 633371). Based on the evidence outlined above, the variant was classified as likely benign.

Labcorp Genetics (formerly Invitae), Labcorp
Classification: Likely benign for Hereditary nonpolyposis colorectal neoplasms. Last evaluated: 2023-06-08. Review status: criteria provided, single submitter. Criteria: Invitae Variant Classification Sherloc (09022015). Collection method: clinical testing. Allele origin: germline.

NM_000535.7(PMS2):c.2445+9A>G

Gene: PMS2 (PMS1 homolog 2, mismatch repair system component; minus strand). Cytogenetic location: 7p22.1.
Variant type: single nucleotide variant.
Coding change: c.2445+9A>G on transcript NM_000535.7 (MANE Select); 9 bases into the intron after coding-DNA position 2445, A replaced by G.
Molecular consequence: intron variant.
Genome position (GRCh38, 1-based): chr7:5,977,579, T>C on the plus strand (A>G on the coding strand, the complement: PMS2 is on the minus strand). VCF-style: chr7-5977579-T-C. GRCh37 (hg19) VCF-style: chr7-6017210-T-C.
Other names: c.2127+9A>G (NM_001322008.2, NM_001322007.2); c.1884+9A>G (NM_001322010.2); c.2040+9A>G (NM_001322004.2, NM_001322003.2, NM_001322005.2); c.1872+9A>G (NM_001322013.2); c.1512+9A>G (NM_001322012.2, NM_001322011.2); c.2136+9A>G (NM_001322015.2); c.2289+9A>G (NM_001322006.2); c.2478+9A>G (NM_001322014.2); and 1 more.
Identifiers: ClinVar variation 633371 (VCV000633371.6), dbSNP rs1562600132, ClinGen allele CA913189363.